The following is an entry in ClinVar:

NM_025114.4(CEP290):c.3664G>A (p.Glu1222Lys)

Gene: CEP290 (centrosomal protein 290; minus strand). Cytogenetic location: 12q21.32.
Variant type: single nucleotide variant.
Coding change: c.3664G>A on transcript NM_025114.4 (MANE Select); coding-DNA position 3664, G replaced by A.
Protein change: p.Glu1222Lys; replaces glutamic acid 1222 with lysine.
Molecular consequence: missense variant.
Genome position (GRCh38, 1-based): chr12:88,089,397, C>T on the plus strand (G>A on the coding strand, the complement: CEP290 is on the minus strand). VCF-style: chr12-88089397-C-T. GRCh37 (hg19) VCF-style: chr12-88483174-C-T.
Other names: short protein forms E1222K.
Identifiers: ClinVar variation 1039675 (VCV001039675.11), dbSNP rs770015278, ClinGen allele CA6712100.

ClinVar aggregate classification (germline): Uncertain significance. Review status: criteria provided, multiple submitters, no conflicts (2 of 4 stars). 2 submissions from 2 submitters: Uncertain significance (2). Last evaluated 2024-03-22.

Conditions:
Joubert syndrome. Also called: Familial aplasia of the vermis; CEREBELLOPARENCHYMAL DISORDER IV; JOUBERT-BOLTSHAUSER SYNDROME. Identifiers: Orphanet 475, MedGen C5979921, MONDO:0018772.
Meckel-Gruber syndrome. Also called: Dysencephalia splachnocystica; DYSENCEPHALIA SPLANCHNOCYSTICA; GRUBER SYNDROME. Identifiers: Orphanet 564, MedGen C0265215, MONDO:0018921.
Nephronophthisis. Also called: Juvenile Nephronophthisis. Identifiers: Orphanet 655, MedGen C0687120, MONDO:0019005, HP:0000090.
Leber congenital amaurosis 10 (LCA10). Identifiers: Orphanet 65, MedGen C1857821, MONDO:0012723, OMIM 611755.
Meckel syndrome, type 4 (MKS4). Also called: MECKEL-GRUBER SYNDROME, TYPE 4. Identifiers: Orphanet 564, MedGen C1970161, MONDO:0012626, OMIM 611134.
Joubert syndrome 5 (JBTS5). Identifiers: Orphanet 2318, MedGen C1857780, MONDO:0012432, OMIM 610188.
Bardet-Biedl syndrome 14 (BBS14). Identifiers: Orphanet 110, MedGen C2673874, MONDO:0014442, OMIM 615991.
Senior-Loken syndrome 6 (SLSN6). Identifiers: Orphanet 3156, MedGen C1857779, MONDO:0012433, OMIM 610189.

Allele frequency attached by ClinVar (database versions not stated): TOPMed 0.00003; gnomAD exomes below 0.00001; ExAC 0.00001; gnomAD 0.00003.
gnomAD v4.1: 4 of 1,612,814 alleles (0.00025%); highest among the groups gnomAD compares: African/African-American, 0.0053%; no homozygotes.

Submissions (2):

Fulgent Genetics
Classification: Uncertain significance for Joubert syndrome 5; Senior-Loken syndrome 6; Meckel syndrome, type 4; Leber congenital amaurosis 10; Bardet-Biedl syndrome 14. Last evaluated: 2024-03-22. Review status: criteria provided, single submitter. Criteria: ACMG Guidelines, 2015. Collection method: clinical testing. Allele origin: germline.

Labcorp Genetics (formerly Invitae), Labcorp
Classification: Uncertain significance for Joubert syndrome; Meckel-Gruber syndrome; Nephronophthisis. Last evaluated: 2023-11-27. Review status: criteria provided, single submitter. Criteria: Invitae Variant Classification Sherloc (09022015). Collection method: clinical testing. Allele origin: germline.
Comment: This sequence change replaces glutamic acid, which is acidic and polar, with lysine, which is basic and polar, at codon 1222 of the CEP290 protein (p.Glu1222Lys). This variant is present in population databases (rs770015278, gnomAD 0.007%). This variant has not been reported in the literature in individuals affected with CEP290-related conditions. ClinVar contains an entry for this variant (Variation ID: 1039675). Advanced modeling of protein sequence and biophysical properties (such as structural, functional, and spatial information, amino acid conservation, physicochemical variation, residue mobility, and thermodynamic stability) has been performed at Invitae for this missense variant, however the output from this modeling did not meet the statistical confidence thresholds required to predict the impact of this variant on CEP290 protein function. In summary, the available evidence is currently insufficient to determine the role of this variant in disease. Therefore, it has been classified as a Variant of Uncertain Significance.